The following is an entry in ClinVar:

ClinVar aggregate classification (germline): Uncertain significance. Review status: criteria provided, multiple submitters, no conflicts (2 of 4 stars). 3 submissions from 3 submitters: Uncertain significance (3). Last evaluated 2025-06-23.

Conditions:
Peutz-Jeghers syndrome (PJS). Also called: Peutz-Jeghers polyposis; Periorificial lentiginosis syndrome; POLYPOSIS, HAMARTOMATOUS INTESTINAL; POLYPS-AND-SPOTS SYNDROME. Identifiers: Orphanet 2869, MedGen C0031269, MeSH D010580, MONDO:0008280, OMIM 175200.
Hereditary cancer-predisposing syndrome. Also called: Hereditary neoplastic syndrome; Hereditary Cancer Syndrome; Neoplastic Syndromes, Hereditary; Tumor predisposition. Identifiers: Orphanet 140162, MedGen C0027672, MeSH D009386, MONDO:0015356.

Submissions (3):

Labcorp Genetics (formerly Invitae), Labcorp
Classification: Uncertain significance for Peutz-Jeghers syndrome. Last evaluated: 2025-06-23. Review status: criteria provided, single submitter. Criteria: Invitae Variant Classification Sherloc (09022015). Collection method: clinical testing. Allele origin: germline.
Comment: This variant, c.1127_1129del, results in the deletion of 1 amino acid(s) of the STK11 protein (p.Glu376del), but otherwise preserves the integrity of the reading frame. This variant is not present in population databases (gnomAD no frequency). This variant has not been reported in the literature in individuals affected with STK11-related conditions. Experimental studies and prediction algorithms are not available or were not evaluated, and the functional significance of this variant is currently unknown. In summary, the available evidence is currently insufficient to determine the role of this variant in disease. Therefore, it has been classified as a Variant of Uncertain Significance.

Ambry Genetics
Classification: Uncertain significance for Hereditary cancer-predisposing syndrome. Last evaluated: 2025-04-30. Review status: criteria provided, single submitter. Criteria: Ambry Variant Classification Scheme 2023. Collection method: clinical testing. Allele origin: germline.
Comment: The c.1127_1129delAGG variant (also known as p.E376del) is located in coding exon 9 of the STK11 gene. This variant results from an in-frame AGG deletion at nucleotide positions 1127 to 1129. This results in the in-frame deletion of a glutamic acid at codon 376. This amino acid position is not well conserved in available vertebrate species. In addition, this alteration is predicted to be neutral by in silico analysis (Choi Y et al. PLoS ONE. 2012; 7(10):e46688). Since supporting evidence is limited at this time, the clinical significance of this alteration remains unclear.

GeneDx
Classification: Uncertain significance. Last evaluated: 2021-04-01. Review status: criteria provided, single submitter. Criteria: GeneDx Variant Classification Process June 2021. Collection method: clinical testing. Allele origin: germline. Affected: yes.
Comment: In-frame deletion of 1 amino acid in a non-repeat region; Has not been previously published as pathogenic or benign to our knowledge; Located in the critical C-terminal region (Daniell 2018); In silico analysis supports that this variant does not alter protein structure/function; Not observed in large population cohorts (Lek et al., 2016)

NM_000455.5(STK11):c.1124AGG[1] (p.Glu376del)

Gene: STK11 (serine/threonine kinase 11; plus strand). Cytogenetic location: 19p13.3.
Variant type: Microsatellite.
Coding change: c.1124AGG[1] on transcript NM_000455.5 (MANE Select); one copy of the 3-base unit AGG starting at c.1124; the reference has two copies in a row; one copy, 3 bases deleted.
Protein change: p.Glu376del; deletes glutamic acid 376.
Molecular consequence: inframe deletion.
Genome position (GRCh38, 1-based): chr19:1,226,472-1,226,474, AGG deleted; deleting any 3 consecutive bases within chr19:1,226,468-1,226,474 gives the same sequence; the position shown is the placement nearest the transcript's 3' end. VCF-style (leftmost placement, unchanged base first): chr19-1226467-AGAG-A. GRCh37 (hg19) VCF-style: chr19-1226466-AGAG-A.
Other names: c.1127_1129delAGG (NM_000455.4); short protein forms E376del.
Identifiers: ClinVar variation 419878 (VCV000419878.16), dbSNP rs1064794167, ClinGen allele CA16620757.
Genomic context (GRCh38, chr19:1,226,467, plus strand): 5'-GGGGTTGCGCCCCTCAGCTCAGGCCACACTTGCCGTCTCCCTCCCAGGACAGGTCCCAGA[AGAG>A]GAGGCCAGTCACAATGGACAGCGCCGGGGCCTCCCCAAGGCCGTGTGTATGAACGGCACA-3'